The following is an entry in ClinVar:

NM_000089.4(COL1A2):c.2024G>T (p.Arg675Leu)

Gene: COL1A2 (collagen type I alpha 2 chain; plus strand). Cytogenetic location: 7q21.3.
Variant type: single nucleotide variant.
Coding change: c.2024G>T on transcript NM_000089.4 (MANE Select); coding-DNA position 2024, G replaced by T.
Protein change: p.Arg675Leu; replaces arginine 675 with leucine.
Molecular consequence: missense variant.
Genome position (GRCh38, 1-based): chr7:94,418,551, G>T. VCF-style: chr7-94418551-G-T. GRCh37 (hg19) VCF-style: chr7-94047863-G-T.
Other names: short protein forms R675L.
Identifiers: ClinVar variation 4281395 (VCV004281395.7).

ClinVar aggregate classification (germline): Uncertain significance (1 of 4 stars; one submission).

gnomAD v4.1: 1 of 1,613,064 alleles (0.000062%); highest among the groups gnomAD compares: Admixed American, 0.0017%; no homozygotes.

Submission:

CeGaT Center for Human Genetics Tuebingen
Classification: Uncertain significance. Last evaluated: 2025-09-01. Review status: criteria provided, single submitter. Criteria: CeGaT Center For Human Genetics Tuebingen Variant Classification Criteria Version 2. Collection method: clinical testing. Allele origin: germline. Affected: yes. Observed: 1 variant allele.
Comment: COL1A2: PM2